The following is an entry in ClinVar:

NM_000521.4(HEXB):c.1061A>G (p.Asp354Gly)

Gene: HEXB (hexosaminidase subunit beta; plus strand). Cytogenetic location: 5q13.3.
Variant type: single nucleotide variant.
Coding change: c.1061A>G on transcript NM_000521.4 (MANE Select); coding-DNA position 1061, A replaced by G.
Protein change: p.Asp354Gly; replaces aspartic acid 354 with glycine.
Molecular consequence: missense variant.
Genome position (GRCh38, 1-based): chr5:74,715,669, A>G. VCF-style: chr5-74715669-A-G. GRCh37 (hg19) VCF-style: chr5-74011494-A-G.
Other names: c.386A>G, p.Asp129Gly (NM_001292004.2); short protein forms D129G, D354G.
Identifiers: ClinVar variation 1699358 (VCV001699358.4), dbSNP rs781244479, ClinGen allele CA3306009.
Genomic context (GRCh38, chr5:74,715,669, plus strand): 5'-CTACATTTTTCAAAGAAATTAGTGAGGTGTTTCCAGATCAATTCATTCATTTGGGAGGAG[A>G]TGAAGTGGAATTTAAATGTTGGTAAGATGATTCCTTAAAACCCCTTTAAAAAAAAAAAAA-3'
Protein context (NP_000512.2, residues 344-364): FPDQFIHLGG[Asp354Gly]EVEFKCWESN

ClinVar aggregate classification (germline): Uncertain significance. Review status: criteria provided, multiple submitters, no conflicts (2 of 4 stars). 2 submissions from 2 submitters: Uncertain significance (2). Last evaluated 2026-07-13.

Conditions:
Sandhoff disease. Also called: GM2-GANGLIOSIDOSIS, TYPE II; HEXOSAMINIDASES A AND B DEFICIENCY; Beta-hexosaminidase-beta-subunit deficiency; GM2 gangliosidosis, type 2; Total hexosaminidase deficiency; Sandhoff-Jatzkewitz-Pilz disease. Identifiers: Orphanet 796, MedGen C0036161, MONDO:0010006, OMIM 268800.

Allele frequency attached by ClinVar (database versions not stated): ExAC 0.00001.
gnomAD v4.1: 8 of 1,602,606 alleles (0.0005%); highest among the groups gnomAD compares: South Asian, 0.0055%; no homozygotes.

Submissions (2):

Myriad Genetics, Inc.
Classification: Uncertain significance for Sandhoff disease. Last evaluated: 2026-07-13. Review status: criteria provided, single submitter. Criteria: Myriad Autosomal Dominant, Autosomal Recessive and X-Linked Classification Criteria (2023). Collection method: clinical testing. Allele origin: unknown.
Comment: NM_000521.3(HEXB):c.1061A>G(D354G) is a missense variant classified as a variant of uncertain significance in the context of Sandhoff disease. D354G has not been observed in cases with relevant disease. Relevant functional assessments of this variant are not available in the literature. D354G has been observed in referenced population frequency databases. In summary, there is insufficient evidence to classify NM_000521.3(HEXB):c.1061A>G(D354G) as pathogenic or benign. Please note: this variant was assessed in the context of healthy population screening.

Victorian Clinical Genetics Services, Murdoch Childrens Research Institute
Classification: Uncertain significance for Sandhoff disease. Last evaluated: 2022-09-02. Review status: criteria provided, single submitter. Criteria: ACMG Guidelines, 2015. Collection method: clinical testing. Allele origin: germline. Inheritance: Autosomal recessive inheritance. Affected: yes.
Comment: A heterozygous missense variant was identified, NM_000521.3(HEXB):c.1061A>G in exon 8 of 14 of the HEXB gene. This substitution is predicted to create a moderate amino acid change from an aspartic acid to a glycine at position 354 of the protein; NP_000512.1(HEXB):p.(Asp354Gly). The aspartic acid at this position has very high conservation (100 vertebrates, UCSC), and is located within an active site within the beta-hexosaminidase subunit beta chain (NCBI, Mahdieh, N. et al. (2018)). In silico software predicts this variant to be damaging (Polyphen, SIFT, CADD, Mutation Taster). The variant is present in the gnomAD population database at a frequency of 0.00040% (1 heterozygote, 0 homozygotes). This variant has not previously been reported in clinical cases. Functional analysis of a different variant in the same codon resulting in a change to an asparagine, has been shown to cause a significant reduction in enzyme activity (Hou, Y. et al. (2001)). Based on information available at the time of curation, this variant has been classified as a VUS with POTENTIAL CLINICAL RELEVANCE.

Literature cited by the submitters: PubMed 11329289 (cited by Victorian Clinical Genetics Services, Murdoch Childrens Research Institute); PubMed 29448188 (cited by Victorian Clinical Genetics Services, Murdoch Childrens Research Institute).